The following is an entry in ClinVar:

NM_000051.4(ATM):c.6096-3T>C

Genes: ATM (ATM serine/threonine kinase; plus strand), C11orf65 (chromosome 11 open reading frame 65; minus strand). Cytogenetic location: 11q22.3.
Variant type: single nucleotide variant.
Coding change: c.6096-3T>C on transcript NM_000051.4 (MANE Select); 3 bases into the intron before coding-DNA position 6096, T replaced by C.
Molecular consequence: intron variant.
Genome position (GRCh38, 1-based): chr11:108,316,008, T>C. VCF-style: chr11-108316008-T-C. GRCh37 (hg19) VCF-style: chr11-108186735-T-C.
Other names: c.6096-3T>C (NM_001351834.2); c.641-6937A>G (NM_001330368.2); c.*39-6937A>G (NM_001351110.2).
Identifiers: ClinVar variation 485171 (VCV000485171.28), dbSNP rs748380897, ClinGen allele CA6265865.

ClinVar aggregate classification (germline): Conflicting classifications of pathogenicity. Review status: criteria provided, conflicting classifications (1 of 4 stars). 6 submissions from 6 submitters: Uncertain significance (1); Likely benign (3). 2 of the submissions do not count toward it. Last evaluated 2026-01-25.

Conditions:
Familial ovarian cancer. Identifiers: MedGen C5679802, MONDO:0016248.
Hereditary cancer-predisposing syndrome. Also called: Neoplastic Syndromes, Hereditary; Hereditary Cancer Syndrome; Tumor predisposition; Hereditary neoplastic syndrome. Identifiers: Orphanet 140162, MedGen C0027672, MeSH D009386, MONDO:0015356.
Ataxia-telangiectasia syndrome (AT). Also called: LOUIS-BAR SYNDROME; Cerebello-oculocutaneous telangiectasia; Immunodeficiency with ataxia telangiectasia; Ataxia-telangiectasia, complementation group D; AT, COMPLEMENTATION GROUP C; Ataxia-telangiectasia, complementation group E. Identifiers: Orphanet 100, MedGen C0004135, MONDO:0008840, OMIM 208900.
Familial cancer of breast. Also called: Hereditary breast cancer; BREAST CANCER, FAMILIAL; hereditary breast carcinoma. Identifiers: Orphanet 227535, MedGen C0346153, MONDO:0016419, OMIM 114480. Disease mechanism: loss of function.

Allele frequency attached by ClinVar (database versions not stated): gnomAD exomes below 0.00001 and 0.00001; ExAC 0.00002.
gnomAD v4.1: 7 of 1,613,958 alleles (0.00043%); highest among the groups gnomAD compares: East Asian, 0.0022%; no homozygotes.

Submissions (6):

Labcorp Genetics (formerly Invitae), Labcorp
Classification: Likely benign for Ataxia-telangiectasia syndrome. Last evaluated: 2026-01-25. Review status: criteria provided, single submitter. Criteria: Invitae Variant Classification Sherloc (09022015). Collection method: clinical testing. Allele origin: germline.

Myriad Genetics, Inc.
Classification: Likely benign for Familial cancer of breast. Last evaluated: 2024-06-03. Review status: criteria provided, single submitter. Criteria: Myriad Autosomal Dominant, Autosomal Recessive and X-Linked Classification Criteria (2023). Collection method: clinical testing. Allele origin: unknown.
Comment: This variant is considered likely benign. This variant is intronic and is not expected to impact mRNA splicing.

Ambry Genetics
Classification: Likely benign for Hereditary cancer-predisposing syndrome. Last evaluated: 2022-06-23. Review status: criteria provided, single submitter. Criteria: Ambry Variant Classification Scheme 2023. Collection method: clinical testing. Allele origin: germline.

Institute for Clinical Genetics, University Hospital TU Dresden, University Hospital TU Dresden
Classification: Uncertain significance. Last evaluated: 2021-11-03. Review status: criteria provided, single submitter. Criteria: ACMG Guidelines, 2015. Collection method: clinical testing. Allele origin: germline.

Natera, Inc.
Classification: Uncertain significance for Ataxia-telangiectasia. Last evaluated: 2021-05-26. Review status: no assertion criteria provided. Collection method: clinical testing. Allele origin: germline. Not counted in ClinVar's aggregate classification.

Department of Pathology and Laboratory Medicine, Sinai Health System
Classification: Uncertain significance for Familial ovarian cancer. Review status: no assertion criteria provided. Collection method: clinical testing. Allele origin: unknown. Affected: yes. Study: The Canadian Open Genetics Repository (COGR). Not counted in ClinVar's aggregate classification.
Comment: The ATM c.6096-3T>C variant was not identified in the literature nor was it identified in the COGR, Cosmic, or LOVD 3.0 databases. The variant was identified in dbSNP (ID: rs748380897) as "With Uncertain significance allele" and ClinVar (classified as uncertain significance by Invitae and Ambry Genetics). The variant was identified in control databases in 2 of 246130 chromosomes at a frequency of 0.000008 (Genome Aggregation Database Feb 27, 2017). The variant was observed in the following populations: European in 1 of 111648 chromosomes (freq: 0.000009) and East Asian in 1 of 17212 chromosomes (freq: 0.00006); it was not observed in the African, Other, Latino, Ashkenazi Jewish, Finnish, or South Asian populations. The c.6096-3T>C variant is located in the 3' splice region and does not affect the invariant -1 and -2 positions, although positions -3 and -5 to -12 are part of the splicing consensus sequence and variants involving these positions sometimes affect splicing. However, in silico or computational prediction software programs (SpliceSiteFinder, MaxEntScan, NNSPLICE, GeneSplicer) do not predict a difference in splicing. In summary, based on the above information, the clinical significance of this variant cannot be determined with certainty at this time. This variant is classified as a variant of uncertain significance.